The following is an entry in ClinVar:

NM_000182.5(HADHA):c.179del (p.Lys60fs)

Gene: HADHA (hydroxyacyl-CoA dehydrogenase trifunctional multienzyme complex subunit alpha; minus strand). Cytogenetic location: 2p23.3.
Variant type: Deletion.
Coding change: c.179del on transcript NM_000182.5 (MANE Select); coding-DNA position 179, one base deleted (A; older notation c.179delA).
Protein change: p.Lys60fs; shifts the reading frame from lysine 60.
Molecular consequence: frameshift variant.
Genome position (GRCh38, 1-based): chr2:26,238,935, T deleted on the plus strand (A on the coding strand, the reverse complement: HADHA is on the minus strand); the first of 3 consecutive T bases (chr2:26,238,935-26,238,937); deleting any one gives the same sequence. VCF-style (leftmost placement, unchanged base first): chr2-26238934-CT-C. GRCh37 (hg19) VCF-style: chr2-26461802-CT-C.
Other names: short protein forms K60fs.
Identifiers: ClinVar variation 5019423 (VCV005019423.2).

ClinVar aggregate classification (germline): Likely pathogenic (1 of 4 stars; one submission).

Conditions:
Mitochondrial trifunctional protein deficiency 1 (MTPD1). Identifiers: MedGen CN376812, MONDO:0958181, OMIM 609015.
Long chain 3-hydroxyacyl-CoA dehydrogenase deficiency. Also called: LCHAD Deficiency; Deficiency of long-chain 3-hydroxyacyl-coenzyme A dehydrogenase. Identifiers: Orphanet 5, MedGen C3711645, MONDO:0012173, OMIM 609016.

Submission:

Juno Genomics, Hangzhou Juno Genomics, Inc
Classification: Likely pathogenic for Mitochondrial trifunctional protein deficiency 1; Long chain 3-hydroxyacyl-CoA dehydrogenase deficiency. Review status: criteria provided, single submitter. Criteria: ACMG Guidelines, 2015. Collection method: clinical testing. Allele origin: germline.
Comment: Absent from controls (or at extremely low frequency if recessive) in Genome Aggregation Database.;Null variant in a gene where loss of function (LOF) is a known mechanism of disease.